The following is an entry in ClinVar:

ClinVar aggregate classification (germline): Conflicting classifications of pathogenicity. Review status: criteria provided, conflicting classifications (1 of 4 stars). 5 submissions from 5 submitters: Pathogenic (3); Likely pathogenic (1); Uncertain significance (1). Last evaluated 2026-09-17.

Conditions:
Atypical hemolytic-uremic syndrome. Identifiers: Orphanet 2134, MedGen C2931788, MONDO:0016244.
Hemolytic uremic syndrome, atypical, susceptibility to, 1. Also called: AHUS, SUSCEPTIBILITY TO, 1. Identifiers: Orphanet 2134, Orphanet 90038, MedGen C2749604, MONDO:0009335, OMIM 235400. Disease mechanism: Other.
CFH-related disorder. Also called: CFH-related disorders; CFH-related condition.

gnomAD v4.1: 1 of 1,613,958 alleles (0.000062%); highest among the groups gnomAD compares: Non-Finnish European, 0.000085%; no homozygotes.

Submissions (5):

Genomenon, Inc
Classification: Pathogenic for Atypical hemolytic-uremic syndrome. Last evaluated: 2026-09-17. Review status: criteria provided, single submitter. Criteria: Genomenon Sequence Variant Interpretation Standards - Updated. Collection method: curation. Allele origin: germline. Affected: yes.
Comment: CFH p.Arg1215Gln (c.3644G>A) is a missense variant that changes the amino acid at codon 1215 from arginine to glutamine. This variant has been observed in at least one proband affected with atypical hemolytic-uremic syndrome (PMID: 20513133; 23314101; 24029428; 30377230; 26826462; 21868097; 29046944; 15816899; 23431077; 33956337; 28176477; 33048203; 23461281; 25443527). A de novo occurrence of this variant has been observed in at least one affected individual (PMID: 23461281). At least one functional study has demonstrated a substantial alteration in protein function relative to the wild-type (PMID: 32793201; 34189567; 26728463). It is absent or not present at a significant frequency in gnomAD. In conclusion, we classify CFH p.Arg1215Gln (c.3644G>A) as a pathogenic variant.

3billion
Classification: Uncertain significance for Hemolytic uremic syndrome, atypical, susceptibility to, 1. Last evaluated: 2025-02-05. Review status: criteria provided, single submitter. Criteria: ACMG Guidelines, 2015. Collection method: clinical testing. Allele origin: germline. Affected: yes.
Comment: The variant is observed at an extremely low frequency in the gnomAD v4.1.0 dataset (total allele frequency: <0.001%). Predicted Consequence/Location: Missense variant The same nucleotide change resulting in the same amino acid change has been previously reported to be associated with CFH-related disorder (ClinVar ID: VCV003376720 /PMID: 11158219). Different missense changes at the same codon (p.Arg1215Gly, p.Arg1215Leu) have been reported to be associated with CFH-related disorder (ClinVar ID: VCV000016542, VCV001712431 /PMID: 30046676, 9551389). Therefore, this variant is classified as VUS according to the recommendation of ACMG/AMP guideline.

Blueprint Genetics
Classification: Pathogenic for CFH-related disorders. Last evaluated: 2024-06-10. Review status: criteria provided, single submitter. Criteria: ACMG Guidelines, 2015. Collection method: clinical testing. Allele origin: germline. Affected: yes. Observed: 2 variant alleles.

Victorian Clinical Genetics Services, Murdoch Childrens Research Institute
Classification: Likely pathogenic for Hemolytic uremic syndrome, atypical, susceptibility to, 1. Last evaluated: 2023-07-17. Review status: criteria provided, single submitter. Criteria: ACMG Guidelines, 2015. Collection method: clinical testing. Allele origin: germline. Inheritance: Autosomal dominant inheritance. Affected: yes.
Comment: Based on the classification scheme VCGS_Germline_v1.3.4, this variant is classified as Likely pathogenic. Following criteria are met: 0102 - Loss of function is a known mechanism of disease in this gene and is associated with basal laminar drusen (MIM#126700), complement factor H deficiency (MIM#609814) and susceptibility to atypical haemolytic uraemic syndrome 1 (aHUS; MIM#235400). (I) 0108 - This gene is associated with both recessive and dominant disease. It is associated with autosomal dominant basal laminar drusen, autosomal recessive and dominant complement factor H deficiency, and is a risk factor for aHUS. There is no clear distinction between missense variants that act in a dominant versus recessive manner, although aHUS is typically autosomal dominant (PMIDs: 24799305, 30930551). (I) 0200 - Variant is predicted to result in a missense amino acid change from arginine to glutamine. (I) 0251 - This variant is heterozygous. (I) 0301 - Variant is absent from gnomAD (both v2 and v3). (SP) 0502 - Missense variant with damaging in silico predictions and uninformative conservation. (I) 0600 - Variant is located in the annotated SCR20 domain (PMIDs: 17973958, 11158219, 25951460). (I) 0705 - No comparable missense variants have previous evidence for pathogenicity. However, two alternative amino acid changes with higher Grantham scores have been classified as pathogenic or likely pathogenic in ClinVar. (I) 0801 - This variant has strong previous evidence of pathogenicity in unrelated individuals. This variant has been observed in at least five individuals with aHUS (PMIDs: 17973958, 33048203, 28176477, 11158219, 25951460). (SP) 0906 - Segregation evidence for this variant is inconclusive. This variant has been observed to segregate in two affected members of one family (PMID: 17973958), and also in several asymptomatic members of at least three families with aHUS affected probands (PMIDs: 17973958, 11158219, 25951460). However, two of these asymptomatic family members were shown to have severe haemolysis (PMID: 25951460). This gene is associated with susceptibility to aHUS; nonsegregation is well described for CFH variants (PMIDs: 24799305, 26826462). (I) 1001 - This variant has strong functional evidence supporting abnormal protein function. Plasma from three individuals from one family with this variant showed severe haemolysis, while two members without the variant showed no appreciable haemolysis. The addition of purified CFH to the variant plasma samples was able to correct this haemolysis (PMID: 25951460). (SP) Legend: (SP) - Supporting pathogenic, (I) - Information, (SB) - Supporting benign

Neuberg Centre For Genomic Medicine, NCGM
Classification: Pathogenic for Hemolytic uremic syndrome, atypical, susceptibility to, 1. Review status: criteria provided, single submitter. Criteria: ACMG Guidelines, 2015. Collection method: clinical testing. Allele origin: germline. Affected: yes.
Comment: The above variant has been previoulsy reported in individuals with Hemolytic uremic syndrome both in Autosomal dominant inheritance and autosomalrecessive form. (Yoshida Y, et al., 2015; Krishnan AR, et al. 2017; Jalanko, H., et al, 2007). This variant has been observed to segregate with disease in related individuals (Jalanko, H., et al, 2007; Yoshida Y, et al., 2015). For these reason, this variant has been classified as Pathogenic.

Literature cited by the submitters: PubMed 20513133 (cited by Genomenon, Inc); PubMed 23314101 (cited by Genomenon, Inc); PubMed 24029428 (cited by Genomenon, Inc); PubMed 30377230 (cited by Genomenon, Inc); PubMed 26826462 (cited by Genomenon, Inc and Victorian Clinical Genetics Services, Murdoch Childrens Research Institute); PubMed 21868097 (cited by Genomenon, Inc); PubMed 29046944 (cited by Genomenon, Inc); PubMed 15816899 (cited by Genomenon, Inc); PubMed 23431077 (cited by Genomenon, Inc); PubMed 33956337 (cited by Genomenon, Inc); PubMed 28176477 (cited by Genomenon, Inc and Victorian Clinical Genetics Services, Murdoch Childrens Research Institute); PubMed 33048203 (cited by Genomenon, Inc and Victorian Clinical Genetics Services, Murdoch Childrens Research Institute); PubMed 23461281 (cited by Genomenon, Inc); PubMed 25443527 (cited by Genomenon, Inc); PubMed 32793201 (cited by Genomenon, Inc); PubMed 34189567 (cited by Genomenon, Inc); PubMed 26728463 (cited by Genomenon, Inc); PubMed 11158219 (cited by 3billion and Victorian Clinical Genetics Services, Murdoch Childrens Research Institute); PubMed 30046676 (cited by 3billion); PubMed 17973958 (cited by Victorian Clinical Genetics Services, Murdoch Childrens Research Institute); PubMed 24799305 (cited by Victorian Clinical Genetics Services, Murdoch Childrens Research Institute); PubMed 25951460 (cited by Victorian Clinical Genetics Services, Murdoch Childrens Research Institute); PubMed 30930551 (cited by Victorian Clinical Genetics Services, Murdoch Childrens Research Institute).

NM_000186.4(CFH):c.3644G>A (p.Arg1215Gln)

Gene: CFH (complement factor H; plus strand). Cytogenetic location: 1q31.3.
Variant type: single nucleotide variant.
Coding change: c.3644G>A on transcript NM_000186.4 (MANE Select); coding-DNA position 3644, G replaced by A.
Protein change: p.Arg1215Gln; replaces arginine 1215 with glutamine.
Molecular consequence: missense variant.
Genome position (GRCh38, 1-based): chr1:196,747,261, G>A. VCF-style: chr1-196747261-G-A. GRCh37 (hg19) VCF-style: chr1-196716391-G-A.
Other names: short protein forms R1215Q.
Identifiers: ClinVar variation 3376720 (VCV003376720.5).